The following is an entry in ClinVar:

ClinVar aggregate classification (germline): Uncertain significance. Review status: criteria provided, single submitter (1 of 4 stars). 2 submissions from 2 submitters: Uncertain significance (1). 1 of the submissions does not count toward it. Last evaluated 2022-09-01.

Conditions:
TBX3-related disorder. Also called: TBX3-related condition.
Ulnar-mammary syndrome (UMS). Also called: SCHINZEL SYNDROME; Ulnar-mammary syndrome of Pallister; PALLISTER ULNAR-MAMMARY SYNDROME. Identifiers: Orphanet 3138, MedGen C1866994, MONDO:0008411, OMIM 181450.

Submissions (2):

Labcorp Genetics (formerly Invitae), Labcorp
Classification: Uncertain significance for Ulnar-mammary syndrome. Last evaluated: 2022-09-01. Review status: criteria provided, single submitter. Criteria: Invitae Variant Classification Sherloc (09022015). Collection method: clinical testing. Allele origin: germline.
Comment: In summary, the available evidence is currently insufficient to determine the role of this variant in disease. Therefore, it has been classified as a Variant of Uncertain Significance. This variant has not been reported in the literature in individuals affected with TBX3-related conditions. This variant is present in population databases (rs774190101, gnomAD 0.003%). This variant, c.2033_2044dup, results in the insertion of 4 amino acid(s) of the TBX3 protein (p.Thr678_Ser681dup), but otherwise preserves the integrity of the reading frame.

PreventionGenetics, part of Exact Sciences
Classification: Uncertain significance for TBX3-related condition. Last evaluated: 2024-01-04. Review status: no assertion criteria provided. Collection method: clinical testing. Allele origin: germline. Not counted in ClinVar's aggregate classification.
Comment: The TBX3 c.2093_2104dup12 variant is predicted to result in an in-frame duplication (p.Thr698_Ser701dup). To our knowledge, this variant has not been reported in the literature. This variant is reported in 0.0040% of alleles in individuals of European (Non-Finnish) descent in gnomAD. At this time, the clinical significance of this variant is uncertain due to the absence of conclusive functional and genetic evidence.

NM_005996.4(TBX3):c.2033_2044dup (p.Ser681_Ser682insThrLeuSerSer)

Gene: TBX3 (T-box transcription factor 3; minus strand). Cytogenetic location: 12q24.21.
Variant type: Duplication.
Coding change: c.2033_2044dup on transcript NM_005996.4 (MANE Select); coding-DNA positions 2033 to 2044, 12 bases duplicated (CGCTCTCCTCCA).
Protein change: p.Ser681_Ser682insThrLeuSerSer.
Molecular consequence: inframe insertion.
Genome position (GRCh38, 1-based): chr12:114,671,969-114,671,980, TGGAGGAGAGCG duplicated on the plus strand (CGCTCTCCTCCA on the coding strand, the reverse complement: TBX3 is on the minus strand); duplicating any 12 consecutive bases within chr12:114,671,969-114,671,988 gives the same sequence; the c. name uses the placement nearest the transcript's 3' end. VCF-style (leftmost placement, unchanged base first): chr12-114671968-C-CTGGAGGAGAGCG. GRCh37 (hg19) VCF-style: chr12-115109773-C-CTGGAGGAGAGCG.
Other names: c.2093_2104dup, p.Ser701_Ser702insThrLeuSerSer (NM_016569.4); c.2093_2104dup12 (NM_016569.3).
Identifiers: ClinVar variation 2420080 (VCV002420080.7), dbSNP rs774190101, ClinGen allele CA6809792.
Genomic context (GRCh38, chr12:114,671,968, plus strand): 5'-TGCAGTTCGCTGGTGGCCGCCTCTTTCTCCGCGCAGAGTTTGGGCGACAAGGACATGGAG[C>CTGGAGGAGAGCG]TGGAGGAGAGCGTGGAGGAGCGGCTGTTGAGTTCAGAGCCCGAGTCCACTGCCACCGAGG-3'